The following is an entry in ClinVar:

ClinVar aggregate classification (germline): Uncertain significance (1 of 4 stars; one submission).

Submission:

Labcorp Genetics (formerly Invitae), Labcorp
Classification: Uncertain significance. Last evaluated: 2020-05-29. Review status: criteria provided, single submitter. Criteria: Invitae Variant Classification Sherloc (09022015). Collection method: clinical testing. Allele origin: germline.
Comment: This variant has not been reported in the literature in individuals with MSH3-related conditions. This sequence change replaces threonine with serine at codon 644 of the MSH3 protein (p.Thr644Ser). The threonine residue is moderately conserved and there is a small physicochemical difference between threonine and serine. This variant is not present in population databases (ExAC no frequency). Algorithms developed to predict the effect of missense changes on protein structure and function output the following: SIFT: "Tolerated"; PolyPhen-2: "Benign"; Align-GVGD: "Class C0". The serine amino acid residue is found in multiple mammalian species, suggesting that this missense change does not adversely affect protein function. These predictions have not been confirmed by published functional studies and their clinical significance is uncertain. Algorithms developed to predict the effect of sequence changes on RNA splicing suggest that this variant may create or strengthen a splice site, but this prediction has not been confirmed by published transcriptional studies. In summary, the available evidence is currently insufficient to determine the role of this variant in disease. Therefore, it has been classified as a Variant of Uncertain Significance.

NM_002439.5(MSH3):c.1931C>G (p.Thr644Ser)

Gene: MSH3 (mutS homolog 3; plus strand). Cytogenetic location: 5q14.1.
Variant type: single nucleotide variant.
Coding change: c.1931C>G on transcript NM_002439.5 (MANE Select); coding-DNA position 1931, C replaced by G.
Protein change: p.Thr644Ser; replaces threonine 644 with serine.
Molecular consequence: missense variant.
Genome position (GRCh38, 1-based): chr5:80,767,967, C>G. VCF-style: chr5-80767967-C-G. GRCh37 (hg19) VCF-style: chr5-80063786-C-G.
Other names: short protein forms T644S.
Identifiers: ClinVar variation 1040648 (VCV001040648.8), dbSNP rs1367636496, ClinGen allele CA360277504.
Genomic context (GRCh38, chr5:80,767,967, plus strand): 5'-TTCATAAAAAATATTTCTATTTTCAGTGTTCTACCCAAGAGTTCTTCTTGATTGTCAAAA[C>G]TTTATATCACCTAAAGTCAGAATTTCAAGCAATAATACCTGCTGTTAATTCCCACATTCA-3'
Protein context (NP_002430.3, residues 634-654): STQEFFLIVK[Thr644Ser]LYHLKSEFQA